The following is an entry in ClinVar:

NM_052874.5(STX1B):c.854C>T (p.Thr285Met)

Gene: STX1B (syntaxin 1B; minus strand). Cytogenetic location: 16p11.2.
Variant type: single nucleotide variant.
Coding change: c.854C>T on transcript NM_052874.5 (MANE Select); coding-DNA position 854, C replaced by T.
Protein change: p.Thr285Met; replaces threonine 285 with methionine.
Molecular consequence: missense variant.
Genome position (GRCh38, 1-based): chr16:30,992,834, G>A on the plus strand (C>T on the coding strand, the complement: STX1B is on the minus strand). VCF-style: chr16-30992834-G-A. GRCh37 (hg19) VCF-style: chr16-31004155-G-A.
Other names: short protein forms T285M.
Identifiers: ClinVar variation 2044948 (VCV002044948.4), dbSNP rs1410373910, ClinGen allele CA395645798.

ClinVar aggregate classification (germline): Uncertain significance (1 of 4 stars; one submission).

Conditions:
Generalized epilepsy with febrile seizures plus, type 9 (GEFSP9). Also called: GEFS+, TYPE 9. Identifiers: Orphanet 36387, MedGen C4015395, MONDO:0014517, OMIM 616172.

Allele frequency attached by ClinVar (database versions not stated): gnomAD exomes below 0.00001.

Submission:

Labcorp Genetics (formerly Invitae), Labcorp
Classification: Uncertain significance for Generalized epilepsy with febrile seizures plus, type 9. Last evaluated: 2024-02-16. Review status: criteria provided, single submitter. Criteria: Invitae Variant Classification Sherloc (09022015). Collection method: clinical testing. Allele origin: germline.
Comment: This sequence change replaces threonine, which is neutral and polar, with methionine, which is neutral and non-polar, at codon 285 of the STX1B protein (p.Thr285Met). This variant is not present in population databases (gnomAD no frequency). This variant has not been reported in the literature in individuals affected with STX1B-related conditions. ClinVar contains an entry for this variant (Variation ID: 2044948). An algorithm developed to predict the effect of missense changes on protein structure and function (PolyPhen-2) suggests that this variant is likely to be tolerated. In summary, the available evidence is currently insufficient to determine the role of this variant in disease. Therefore, it has been classified as a Variant of Uncertain Significance.